The following is an entry in ClinVar:

NM_001369.3(DNAH5):c.192+14C>G

Gene: DNAH5 (dynein axonemal heavy chain 5; minus strand). Cytogenetic location: 5p15.2.
Variant type: single nucleotide variant.
Coding change: c.192+14C>G on transcript NM_001369.3 (MANE Select); 14 bases into the intron after coding-DNA position 192, C replaced by G.
Molecular consequence: intron variant.
Genome position (GRCh38, 1-based): chr5:13,931,096, G>C on the plus strand (C>G on the coding strand, the complement: DNAH5 is on the minus strand). VCF-style: chr5-13931096-G-C. GRCh37 (hg19) VCF-style: chr5-13931205-G-C.
Identifiers: ClinVar variation 163161 (VCV000163161.28), dbSNP rs1530497, ClinGen allele CA175813.

ClinVar aggregate classification (germline): Benign/Likely benign. Review status: criteria provided, multiple submitters, no conflicts (2 of 4 stars). 11 submissions from 11 submitters: Benign (8); Likely benign (1). 2 of the submissions do not count toward it. Last evaluated 2026-02-04.

Conditions:
Primary ciliary dyskinesia. Also called: Ciliary dyskinesia. Identifiers: Orphanet 244, MedGen C0008780, MONDO:0016575, HP:0012265.
Primary ciliary dyskinesia 3. Identifiers: Orphanet 244, MedGen C1837618, MONDO:0012085, OMIM 608644.

Allele frequency attached by ClinVar (database versions not stated): gnomAD exomes 0.31727 and 0.37103; ExAC 0.37321; ESP Exome Variant Server 0.40574; gnomAD 0.41173 and 0.41203; TOPMed 0.42831; 1000 Genomes Project 30x 0.51124; 1000 Genomes Project 0.51358.
gnomAD v4.1: 527,458 of 1,613,588 alleles (33%); highest among the groups gnomAD compares: East Asian, 68%; 94,100 homozygotes.

Submissions (11):

Labcorp Genetics (formerly Invitae), Labcorp
Classification: Benign for Primary ciliary dyskinesia. Last evaluated: 2026-02-04. Review status: criteria provided, single submitter. Criteria: Invitae Variant Classification Sherloc (09022015). Collection method: clinical testing. Allele origin: germline.

Blueprint Genetics
Classification: Likely benign. Last evaluated: 2024-11-26. Review status: criteria provided, single submitter. Criteria: ACMG Guidelines, 2015. Collection method: clinical testing. Allele origin: germline.

Genome-Nilou Lab
Classification: Benign for Primary ciliary dyskinesia 3. Last evaluated: 2021-07-30. Review status: criteria provided, single submitter. Criteria: ACMG Guidelines, 2015. Collection method: clinical testing. Allele origin: germline. Affected: no.

Pars Genome Lab
Classification: Benign for Primary ciliary dyskinesia 3. Last evaluated: 2021-06-15. Review status: criteria provided, single submitter. Criteria: ACMG Guidelines, 2015. Collection method: clinical testing. Allele origin: germline. Affected: no.

GeneDx
Classification: Benign. Last evaluated: 2018-11-10. Review status: criteria provided, single submitter. Criteria: GeneDx Variant Classification Process June 2021. Collection method: clinical testing. Allele origin: germline. Affected: yes.

Illumina Laboratory Services, Illumina
Classification: Benign for Primary ciliary dyskinesia 3. Last evaluated: 2018-01-13. Review status: criteria provided, single submitter. Criteria: ICSL Variant Classification Criteria 13 December 2019. Collection method: clinical testing. Allele origin: germline.
Comment: This variant was observed in the ICSL laboratory as part of a predisposition screen in an ostensibly healthy population. It had not been previously curated by ICSL or reported in the Human Gene Mutation Database (HGMD: prior to June 1st, 2018), and was therefore a candidate for classification through an automated scoring system. Utilizing variant allele frequency, disease prevalence and penetrance estimates, and inheritance mode, an automated score was calculated to assess if this variant is too frequent to cause the disease. Based on the score and internal cut-off values, a variant classified as benign is not then subjected to further curation. The score for this variant resulted in a classification of benign for this disease.

Laboratory for Molecular Medicine, Mass General Brigham Personalized Medicine
Classification: Benign. Last evaluated: 2013-02-21. Review status: criteria provided, single submitter. Criteria: LMM Criteria. Collection method: clinical testing. Allele origin: germline. Observed: 62 variant alleles.
Comment: 192+14C>G in intron 2 of DNAH5: This variant is not expected to have clinical si gnificance because it is not located within the conserved splice consensus seque nce. It has been identified in 39.4% (1738/4406) of African American chromosomes from a broad population by the NHLBI Exome Sequencing Project (dbSNP rs1530497).

Breakthrough Genomics
Classification: Benign. Review status: criteria provided, single submitter. Criteria: ACMG Guidelines, 2015. Collection method: not provided. Allele origin: germline. Inheritance: Autosomal recessive inheritance. Affected: yes.

PreventionGenetics, part of Exact Sciences
Classification: Benign. Review status: criteria provided, single submitter. Criteria: ACMG Guidelines, 2015. Collection method: clinical testing. Allele origin: germline.

Clinical Genetics DNA and cytogenetics Diagnostics Lab, Erasmus MC, Erasmus Medical Center
Classification: Benign. Review status: no assertion criteria provided. Collection method: clinical testing. Allele origin: germline. Affected: yes. Study: VKGL Data-share Consensus. Not counted in ClinVar's aggregate classification.

Diagnostic Laboratory, Department of Genetics, University Medical Center Groningen
Classification: Benign. Review status: no assertion criteria provided. Collection method: clinical testing. Allele origin: germline. Affected: yes. Study: VKGL Data-share Consensus. Not counted in ClinVar's aggregate classification.